The following is an entry in ClinVar:

NM_006514.4(SCN10A):c.2677_2678del (p.Phe893fs)

Gene: SCN10A (sodium voltage-gated channel alpha subunit 10; minus strand). Cytogenetic location: 3p22.2.
Variant type: Deletion.
Coding change: c.2677_2678del on transcript NM_006514.4 (MANE Select); coding-DNA positions 2677 to 2678, 2 bases deleted (TT; older notation c.2677_2678delTT).
Protein change: p.Phe893fs; shifts the reading frame from phenylalanine 893.
Molecular consequence: frameshift variant.
Genome position (GRCh38, 1-based): chr3:38,727,015-38,727,016, AA deleted on the plus strand (TT on the coding strand, the reverse complement: SCN10A is on the minus strand); deleting any 2 consecutive bases within chr3:38,727,015-38,727,017 gives the same sequence; the c. name uses the placement nearest the transcript's 3' end. VCF-style (leftmost placement, unchanged base first): chr3-38727014-GAA-G. GRCh37 (hg19) VCF-style: chr3-38768505-GAA-G.
Other names: c.2677_2678del, p.Phe893fs (NM_001293306.2); c.2383_2384del, p.Phe795fs (NM_001293307.2); short protein forms F795fs, F893fs.
Identifiers: ClinVar variation 1197572 (VCV001197572.6), dbSNP rs770504391, ClinGen allele CA2320458.
Genomic context (GRCh38, chr3:38,727,014, plus strand): 5'-GGCCACCTGCAGGTTGTTCACCTCCCCATCGTCCTCCGGGGCTGTGAGGTTGTCAGCACT[GAA>G]AGAGTTCAATAGCAGGGCGATGAACAGGTTAAGCACCTGAAGAGAAGGAATGGAAGGGAA-3'

ClinVar aggregate classification (germline): Uncertain significance. Review status: criteria provided, multiple submitters, no conflicts (2 of 4 stars). 4 submissions from 4 submitters: Uncertain significance (4). Last evaluated 2025-10-14.

Conditions:
Brugada syndrome. Also called: Sudden unexplained nocturnal death syndrome; Sudden unexpected nocturnal death syndrome; Sudden Unexplained Death Syndrome; Sudden Unexplained Nocturnal Death Syndrome (SUNDS). Identifiers: Orphanet 130, MedGen C1142166, MONDO:0015263.
Cardiovascular phenotype. Identifiers: MedGen CN230736.
Episodic pain syndrome, familial, 2 (FEPS2). Identifiers: Orphanet 306577, MedGen C3809893, MONDO:0014246, OMIM 615551.

Submissions (4):

Labcorp Genetics (formerly Invitae), Labcorp
Classification: Uncertain significance for Brugada syndrome. Last evaluated: 2025-10-14. Review status: criteria provided, single submitter. Criteria: Invitae Variant Classification Sherloc (09022015). Collection method: clinical testing. Allele origin: germline.
Comment: This sequence change creates a premature translational stop signal (p.Phe893Glnfs*3) in the SCN10A gene. It is expected to result in an absent or disrupted protein product. However, the current clinical and genetic evidence is not sufficient to establish whether loss-of-function variants in SCN10A cause disease. This variant is present in population databases (rs770504391, gnomAD 0.002%). This variant has not been reported in the literature in individuals affected with SCN10A-related conditions. ClinVar contains an entry for this variant (Variation ID: 1197572). In summary, the available evidence is currently insufficient to determine the role of this variant in disease. Therefore, it has been classified as a Variant of Uncertain Significance.

Fulgent Genetics
Classification: Uncertain significance for Episodic pain syndrome, familial, 2. Last evaluated: 2021-07-07. Review status: criteria provided, single submitter. Criteria: ACMG Guidelines, 2015. Collection method: clinical testing. Allele origin: unknown.

Ambry Genetics
Classification: Uncertain significance for Cardiovascular phenotype. Last evaluated: 2021-04-24. Review status: criteria provided, single submitter. Criteria: Ambry Variant Classification Scheme 2023. Collection method: clinical testing. Allele origin: germline.
Comment: The c.2677_2678delTT variant, located in coding exon 16 of the SCN10A gene, results from a deletion of two nucleotides at nucleotide positions 2677 to 2678, causing a translational frameshift with a predicted alternate stop codon (p.F893Qfs*3). This alteration is expected to result in premature protein truncation or nonsense-mediated mRNA decay. However, loss of function of SCN10A has not been clearly established as a mechanism of disease. Since supporting evidence is limited at this time, the clinical significance of this alteration remains unclear.

GeneDx
Classification: Uncertain significance. Last evaluated: 2020-10-09. Review status: criteria provided, single submitter. Criteria: GeneDx Variant Classification Process June 2021. Collection method: clinical testing. Allele origin: germline. Affected: yes.
Comment: Has not been previously published as pathogenic or benign to our knowledge; Not observed at a significant frequency in large population cohorts (Lek et al., 2016); Frameshift variant predicted to result in protein truncation or nonsense mediated decay in a gene for which loss-of-function is not a known mechanism of disease